The following is an entry in ClinVar:

ClinVar aggregate classification (germline): Likely benign. Review status: criteria provided, multiple submitters, no conflicts (2 of 4 stars). 2 submissions from 2 submitters: Likely benign (2). Last evaluated 2025-12-21.

Conditions:
Birt-Hogg-Dube syndrome 1 (BHD1). Also called: FIBROFOLLICULOMAS WITH TRICHODISCOMAS AND ACROCHORDONS. Identifiers: Orphanet 122, MedGen CN375946, MONDO:0800445, OMIM 135150.
Birt-Hogg-Dube syndrome. Also called: Birt Hogg Dubé syndrome. Identifiers: Orphanet 122, MedGen C0346010, MONDO:0800444.

Allele frequency attached by ClinVar (database versions not stated): gnomAD exomes below 0.00001; gnomAD 0.00001; TOPMed 0.00001.
gnomAD v4.1: 4 of 1,590,422 alleles (0.00025%); highest among the groups gnomAD compares: African/African-American, 0.0027%; no homozygotes.

Submissions (2):

Labcorp Genetics (formerly Invitae), Labcorp
Classification: Likely benign for Birt-Hogg-Dube syndrome. Last evaluated: 2025-12-21. Review status: criteria provided, single submitter. Criteria: Invitae Variant Classification Sherloc (09022015). Collection method: clinical testing. Allele origin: germline.

Myriad Genetics, Inc.
Classification: Likely benign for Birt-Hogg-Dube syndrome 1. Last evaluated: 2024-10-24. Review status: criteria provided, single submitter. Criteria: Myriad Autosomal Dominant, Autosomal Recessive and X-Linked Classification Criteria (2023). Collection method: clinical testing. Allele origin: unknown.
Comment: This variant is considered likely benign. This variant is intronic and is not expected to impact mRNA splicing.

NM_144997.7(FLCN):c.1063-6G>A

Gene: FLCN (folliculin; minus strand). Cytogenetic location: 17p11.2.
Variant type: single nucleotide variant.
Coding change: c.1063-6G>A on transcript NM_144997.7 (MANE Select); 6 bases into the intron before coding-DNA position 1063, G replaced by A.
Molecular consequence: intron variant.
Genome position (GRCh38, 1-based): chr17:17,217,188, C>T on the plus strand (G>A on the coding strand, the complement: FLCN is on the minus strand). VCF-style: chr17-17217188-C-T. GRCh37 (hg19) VCF-style: chr17-17120502-C-T.
Other names: c.1063-6G>A (NM_001353231.2, NM_001353230.2); c.1117-6G>A (NM_001353229.2).
Identifiers: ClinVar variation 1081528 (VCV001081528.8), dbSNP rs1060504592, ClinGen allele CA726585721.